The following is an entry in ClinVar:

ClinVar aggregate classification (germline): Uncertain significance (1 of 4 stars; one submission).

Submission:

CeGaT Center for Human Genetics Tuebingen
Classification: Uncertain significance. Last evaluated: 2022-10-01. Review status: criteria provided, single submitter. Criteria: CeGaT Center For Human Genetics Tuebingen Variant Classification Criteria Version 2. Collection method: clinical testing. Allele origin: germline. Affected: yes. Observed: 1 variant allele.
Comment: NFIX: PM2, PP2, PP3

NM_001365902.3(NFIX):c.287C>G (p.Thr96Arg)

Gene: NFIX (nuclear factor I X; plus strand). Cytogenetic location: 19p13.13.
Variant type: single nucleotide variant.
Coding change: c.287C>G on transcript NM_001365902.3 (MANE Select); coding-DNA position 287, C replaced by G.
Protein change: p.Thr96Arg; replaces threonine 96 with arginine.
Molecular consequence: missense variant.
Genome position (GRCh38, 1-based): chr19:13,025,280, C>G. VCF-style: chr19-13025280-C-G. GRCh37 (hg19) VCF-style: chr19-13136094-C-G.
Other names: c.287C>G, p.Thr96Arg (NM_001365982.2, NM_002501.4); c.146C>G, p.Thr49Arg (NM_001365983.2); c.284C>G, p.Thr95Arg (NM_001365984.2, NM_001365985.2); c.263C>G, p.Thr88Arg (NM_001378404.1, NM_001271044.3); c.335C>G, p.Thr112Arg (NM_001378405.1); c.311C>G, p.Thr104Arg (NM_001271043.2); short protein forms T104R, T112R, T49R, T88R, T95R, T96R.
Identifiers: ClinVar variation 2649362 (VCV002649362.24), dbSNP rs2512744750, ClinGen allele CA404314088.